The following is an entry in ClinVar:

ClinVar aggregate classification (germline): Pathogenic (1 of 4 stars; one submission).

Conditions:
ALG12-congenital disorder of glycosylation (CDG1G). Also called: Congenital disorder of glycosylation, type Ig; ALG12-CDG; CDG Ig. Identifiers: Orphanet 79324, MedGen C2931001, MONDO:0011783, OMIM 607143.

gnomAD v4.1: 3 of 1,613,122 alleles (0.00019%); highest among the groups gnomAD compares: South Asian, 0.0022%; no homozygotes.

Submission:

Labcorp Genetics (formerly Invitae), Labcorp
Classification: Pathogenic for ALG12-congenital disorder of glycosylation. Last evaluated: 2021-04-29. Review status: criteria provided, single submitter. Criteria: Invitae Variant Classification Sherloc (09022015). Collection method: clinical testing. Allele origin: germline.
Comment: For these reasons, this variant has been classified as Pathogenic. Algorithms developed to predict the effect of sequence changes on RNA splicing suggest that this variant may create or strengthen a splice site, but this prediction has not been confirmed by published transcriptional studies. This variant has not been reported in the literature in individuals with ALG12-related conditions. This variant is not present in population databases (ExAC no frequency). This sequence change creates a premature translational stop signal (p.Tyr263*) in the ALG12 gene. It is expected to result in an absent or disrupted protein product. Loss-of-function variants in ALG12 are known to be pathogenic (PMID: 15639192, 31481313).

Literature cited by the submitters: PubMed 15639192; PubMed 31481313.

NM_024105.4(ALG12):c.789C>A (p.Tyr263Ter)

Gene: ALG12 (ALG12 alpha-1,6-mannosyltransferase; minus strand). Cytogenetic location: 22q13.33.
Variant type: single nucleotide variant.
Coding change: c.789C>A on transcript NM_024105.4 (MANE Select); coding-DNA position 789, C replaced by A.
Protein change: p.Tyr263Ter; replaces tyrosine 263 with a stop codon.
Molecular consequence: nonsense.
Genome position (GRCh38, 1-based): chr22:49,907,924, G>T on the plus strand (C>A on the coding strand, the complement: ALG12 is on the minus strand). VCF-style: chr22-49907924-G-T. GRCh37 (hg19) VCF-style: chr22-50301572-G-T.
Other names: short protein forms Y263*.
Identifiers: ClinVar variation 1440773 (VCV001440773.6), dbSNP rs2147585338, ClinGen allele CA412073883.